The following is an entry in ClinVar:

NM_002834.3(PTPN11):c.*13A>G

Gene: PTPN11 (protein tyrosine phosphatase non-receptor type 11; plus strand). Cytogenetic location: 12q24.13.
Variant type: single nucleotide variant.
Coding change: c.*13A>G on transcript NM_002834.3; 13 bases downstream of the stop codon, A replaced by G.
Molecular consequence: 3 prime UTR variant (on NM_002834.5).
Genome position (GRCh38, 1-based): chr12:112,504,777, A>G. VCF-style: chr12-112504777-A-G. GRCh37 (hg19) VCF-style: chr12-112942581-A-G.
Other names: c.*13A>G (NM_001330437.2, NM_001374625.1, NM_002834.5).
Identifiers: ClinVar variation 138844 (VCV000138844.8), dbSNP rs201957261, ClinGen allele CA292976.

ClinVar aggregate classification (germline): Benign/Likely benign. Review status: criteria provided, multiple submitters, no conflicts (2 of 4 stars). 4 submissions from 4 submitters: Benign (2); Likely benign (2). Last evaluated 2024-09-30.

Allele frequency attached by ClinVar (database versions not stated): 1000 Genomes Project 30x 0.00016; 1000 Genomes Project 0.00020; gnomAD 0.00025 and 0.00027; TOPMed 0.00025; gnomAD exomes 0.00033 and 0.00047; ESP Exome Variant Server 0.00038; ExAC 0.00044.
gnomAD v4.1: 692 of 1,549,058 alleles (0.045%); highest among the groups gnomAD compares: Non-Finnish European, 0.057%; no homozygotes.

Submissions (4):

Blueprint Genetics
Classification: Likely benign. Last evaluated: 2024-09-30. Review status: criteria provided, single submitter. Criteria: ACMG Guidelines, 2015. Collection method: clinical testing. Allele origin: germline.

Women's Health and Genetics/Laboratory Corporation of America, LabCorp
Classification: Benign. Last evaluated: 2022-04-05. Review status: criteria provided, single submitter. Criteria: LabCorp Variant Classification Summary - May 2015. Collection method: clinical testing. Allele origin: germline.

Laboratory for Molecular Medicine, Mass General Brigham Personalized Medicine
Classification: Likely benign. Last evaluated: 2015-10-13. Review status: criteria provided, single submitter. Criteria: LMM Criteria. Collection method: clinical testing. Allele origin: germline. Observed: 1 variant allele.
Comment: c.*13A>G in the 3'UTR of PTPN11: This variant is not expected to have clinical significance because it has been identified in 0.1% (43/62072) of European chrom osomes by the Exome Aggregation Constortium (ExAC, g; dbSNP rs201957261).

GeneDx
Classification: Benign. Last evaluated: 2013-10-07. Review status: criteria provided, single submitter. Criteria: GeneDx Variant Classification (06012015). Collection method: clinical testing. Allele origin: germline. Affected: yes.
Comment: This variant is considered likely benign or benign based on one or more of the following criteria: it is a conservative change, it occurs at a poorly conserved position in the protein, it is predicted to be benign by multiple in silico algorithms, and/or has population frequency not consistent with disease.